The following is an entry in ClinVar:

ClinVar aggregate classification (germline): Uncertain significance (1 of 4 stars; one submission).

Conditions:
Emery-Dreifuss muscular dystrophy 5, autosomal dominant (EDMD5). Also called: EMERY-DREIFUSS MUSCULAR DYSTROPHY 5. Identifiers: Orphanet 261, MedGen C2751805, MONDO:0013072, OMIM 612999.

Submission:

Labcorp Genetics (formerly Invitae), Labcorp
Classification: Uncertain significance for Emery-Dreifuss muscular dystrophy 5, autosomal dominant. Last evaluated: 2022-07-06. Review status: criteria provided, single submitter. Criteria: Invitae Variant Classification Sherloc (09022015). Collection method: clinical testing. Allele origin: germline.
Comment: In summary, the available evidence is currently insufficient to determine the role of this variant in disease. Therefore, it has been classified as a Variant of Uncertain Significance. ClinVar contains an entry for this variant (Variation ID: 1020139). This variant has not been reported in the literature in individuals affected with SYNE2-related conditions. This variant is not present in population databases (gnomAD no frequency). This sequence change creates a premature translational stop signal (p.Asn5864Leufs*45) in the SYNE2 gene. It is expected to result in an absent or disrupted protein product. However, the current clinical and genetic evidence is not sufficient to establish whether loss-of-function variants in SYNE2 cause disease.

NM_182914.3(SYNE2):c.17589_17590del (p.Asn5864fs)

Gene: SYNE2 (spectrin repeat containing nuclear envelope protein 2; plus strand). Cytogenetic location: 14q23.2.
Variant type: Deletion.
Coding change: c.17589_17590del on transcript NM_182914.3 (MANE Select); coding-DNA positions 17589 to 17590, 2 bases deleted (GA; older notation c.17589_17590delGA).
Protein change: p.Asn5864fs; shifts the reading frame from asparagine 5864.
Molecular consequence: frameshift variant.
Genome position (GRCh38, 1-based): chr14:64,186,456-64,186,457, GA deleted; deleting any 2 consecutive bases within chr14:64,186,455-64,186,457 gives the same sequence; the c. name uses the placement nearest the transcript's 3' end. VCF-style (leftmost placement, unchanged base first): chr14-64186454-CAG-C. GRCh37 (hg19) VCF-style: chr14-64653172-CAG-C.
Other names: c.17589_17590del, p.Asn5864fs (NM_015180.6); short protein forms N5864fs.
Identifiers: ClinVar variation 1020139 (VCV001020139.6), dbSNP rs2098491533, ClinGen allele CA2142548507.